The following is an entry in ClinVar:

ClinVar aggregate classification (germline): Pathogenic/Likely pathogenic. Review status: criteria provided, multiple submitters, no conflicts (2 of 4 stars). 5 submissions from 5 submitters: Pathogenic (4); Likely pathogenic (1). Last evaluated 2025-01-12.

Conditions:
Familial cancer of breast. Also called: BREAST CANCER, FAMILIAL; Hereditary breast cancer; hereditary breast carcinoma. Identifiers: Orphanet 227535, MedGen C0346153, MONDO:0016419, OMIM 114480. Disease mechanism: loss of function.
Hereditary cancer-predisposing syndrome. Also called: Neoplastic Syndromes, Hereditary; Tumor predisposition; Hereditary Cancer Syndrome; Hereditary neoplastic syndrome. Identifiers: Orphanet 140162, MedGen C0027672, MeSH D009386, MONDO:0015356.

Submissions (5):

Labcorp Genetics (formerly Invitae), Labcorp
Classification: Pathogenic for Familial cancer of breast. Last evaluated: 2025-01-12. Review status: criteria provided, single submitter. Criteria: Invitae Variant Classification Sherloc (09022015). Collection method: clinical testing. Allele origin: germline.
Comment: This sequence change creates a premature translational stop signal (p.Leu581Profs*17) in the PALB2 gene. It is expected to result in an absent or disrupted protein product. Loss-of-function variants in PALB2 are known to be pathogenic (PMID: 17200668, 17200671, 17200672, 24136930, 25099575). This variant is not present in population databases (gnomAD no frequency). This variant has not been reported in the literature in individuals affected with PALB2-related conditions. For these reasons, this variant has been classified as Pathogenic.

Myriad Genetics, Inc.
Classification: Pathogenic for Familial cancer of breast. Last evaluated: 2023-09-11. Review status: criteria provided, single submitter. Criteria: Myriad Autosomal Dominant, Autosomal Recessive and X-Linked Classification Criteria (2023). Collection method: clinical testing. Allele origin: unknown.
Comment: This variant is considered pathogenic. This variant creates a frameshift predicted to result in premature protein truncation.

Ambry Genetics
Classification: Pathogenic for Hereditary cancer-predisposing syndrome. Last evaluated: 2023-05-30. Review status: criteria provided, single submitter. Criteria: Ambry Variant Classification Scheme 2023. Collection method: clinical testing. Allele origin: germline.
Comment: The c.1741_1744delTTAT pathogenic mutation, located in coding exon 5 of the PALB2 gene, results from a deletion of 4 nucleotides at nucleotide positions 1741 to 1744, causing a translational frameshift with a predicted alternate stop codon (p.L581Pfs*17). This variant is considered to be rare based on population cohorts in the Genome Aggregation Database (gnomAD). This alteration is expected to result in loss of function by premature protein truncation or nonsense-mediated mRNA decay. As such, this alteration is interpreted as a disease-causing mutation.

Color Diagnostics, LLC DBA Color Health
Classification: Pathogenic for Hereditary cancer-predisposing syndrome. Last evaluated: 2022-03-14. Review status: criteria provided, single submitter. Criteria: ACMG Guidelines, 2015. Collection method: clinical testing. Allele origin: germline.
Comment: This variant deletes 4 nucleotides in exon 5 of the PALB2 gene, creating a frameshift and premature translation stop signal. This variant is expected to result in an absent or non-functional protein product. To our knowledge, this variant has not been reported in individuals affected with hereditary cancer in the literature. This variant has not been identified in the general population by the Genome Aggregation Database (gnomAD). Loss of PALB2 function is a known mechanism of disease. Based on the available evidence, this variant is classified as Pathogenic.

GeneDx
Classification: Likely pathogenic. Last evaluated: 2017-04-26. Review status: criteria provided, single submitter. Criteria: GeneDx Variant Classification (06012015). Collection method: clinical testing. Allele origin: germline. Affected: yes.
Comment: This deletion of four nucleotides in PALB2 is denoted c.1741_1744delTTAT at the cDNA level and p.Leu581ProfsX17 (L581PfsX17) at the protein level. The normal sequence, with the bases that are deleted in brackets, is TTAT[delTTAT]CCTT. The deletion causes a frameshift which changes a Leucine to a Proline at codon 581, and creates a premature stop codon at position 17 of the new reading frame. Although this variant has not, to our knowledge, been reported in the literature, it is predicted to cause loss of normal protein function through either protein truncation or nonsense-mediated mRNA decay. Based on the currently available information, we consider this deletion to be a likely pathogenic variant.

Literature cited by the submitters: PubMed 17200668 (cited by Labcorp Genetics (formerly Invitae), Labcorp); PubMed 17200671 (cited by Labcorp Genetics (formerly Invitae), Labcorp); PubMed 17200672 (cited by Labcorp Genetics (formerly Invitae), Labcorp); PubMed 24136930 (cited by Labcorp Genetics (formerly Invitae), Labcorp); PubMed 25099575 (cited by Labcorp Genetics (formerly Invitae), Labcorp).

NM_024675.4(PALB2):c.1741_1744del (p.Leu581fs)

Gene: PALB2 (partner and localizer of BRCA2; minus strand). Cytogenetic location: 16p12.2.
Variant type: Microsatellite.
Coding change: c.1741_1744del on transcript NM_024675.4 (MANE Select); coding-DNA positions 1741 to 1744, 4 bases deleted (TTAT; older notation c.1741_1744delTTAT).
Protein change: p.Leu581fs; shifts the reading frame from leucine 581.
Molecular consequence: frameshift variant.
Genome position (GRCh38, 1-based): chr16:23,630,410-23,630,413, ATAA deleted on the plus strand (TTAT on the coding strand, the reverse complement: PALB2 is on the minus strand); deleting any 4 consecutive bases within chr16:23,630,410-23,630,417 gives the same sequence; the c. name uses the placement nearest the transcript's 3' end. VCF-style (leftmost placement, unchanged base first): chr16-23630409-GATAA-G. GRCh37 (hg19) VCF-style: chr16-23641730-GATAA-G.
Other names: c.1741_1744delTTAT (NM_024675.3); short protein forms L581fs.
Identifiers: ClinVar variation 482018 (VCV000482018.16), dbSNP rs1555460671, ClinGen allele CA658658417.